The following is an entry in ClinVar:

NM_178335.3(CCDC50):c.1429+5G>A

Gene: CCDC50 (coiled-coil domain containing 50; plus strand). Cytogenetic location: 3q28.
Variant type: single nucleotide variant.
Coding change: c.1429+5G>A on transcript NM_178335.3 (MANE Select); 5 bases into the intron after coding-DNA position 1429, G replaced by A.
Molecular consequence: intron variant.
Genome position (GRCh38, 1-based): chr3:191,389,607, G>A. VCF-style: chr3-191389607-G-A. GRCh37 (hg19) VCF-style: chr3-191107396-G-A.
Other names: c.901+5G>A (NM_174908.4).
Identifiers: ClinVar variation 162862 (VCV000162862.55), dbSNP rs375535283, ClinGen allele CA175454.

ClinVar aggregate classification (germline): Conflicting classifications of pathogenicity. Review status: criteria provided, conflicting classifications (1 of 4 stars). 5 submissions from 5 submitters: Uncertain significance (2); Likely benign (3). Last evaluated 2024-11-06.

Allele frequency attached by ClinVar (database versions not stated): gnomAD exomes 0.00037 and 0.00074; ExAC 0.00038; gnomAD 0.00038; TOPMed 0.00038; ESP Exome Variant Server 0.00054.
gnomAD v4.1: 1,105 of 1,600,346 alleles (0.069%); highest among the groups gnomAD compares: Non-Finnish European, 0.092%; 1 homozygote.

Submissions (5):

Blueprint Genetics
Classification: Likely benign. Last evaluated: 2024-11-06. Review status: criteria provided, single submitter. Criteria: ACMG Guidelines, 2015. Collection method: clinical testing. Allele origin: germline.

Labcorp Genetics (formerly Invitae), Labcorp
Classification: Uncertain significance. Last evaluated: 2024-01-22. Review status: criteria provided, single submitter. Criteria: Invitae Variant Classification Sherloc (09022015). Collection method: clinical testing. Allele origin: germline.
Comment: This sequence change falls in intron 11 of the CCDC50 gene. It does not directly change the encoded amino acid sequence of the CCDC50 protein. It affects a nucleotide within the consensus splice site. This variant is present in population databases (rs375535283, gnomAD 0.08%), and has an allele count higher than expected for a pathogenic variant. This variant has not been reported in the literature in individuals affected with CCDC50-related conditions. ClinVar contains an entry for this variant (Variation ID: 162862). Variants that disrupt the consensus splice site are a relatively common cause of aberrant splicing (PMID: 17576681, 9536098). Algorithms developed to predict the effect of sequence changes on RNA splicing suggest that this variant may create or strengthen a splice site. In summary, the available evidence is currently insufficient to determine the role of this variant in disease. Therefore, it has been classified as a Variant of Uncertain Significance.

GeneDx
Classification: Likely benign. Last evaluated: 2021-03-31. Review status: criteria provided, single submitter. Criteria: GeneDx Variant Classification Process June 2021. Collection method: clinical testing. Allele origin: germline. Affected: yes.

CeGaT Center for Human Genetics Tuebingen
Classification: Uncertain significance. Last evaluated: 2020-02-01. Review status: criteria provided, single submitter. Criteria: CeGaT Center For Human Genetics Tuebingen Variant Classification Criteria Version 2. Collection method: clinical testing. Allele origin: germline. Affected: yes. Observed: 1 variant allele.

Laboratory for Molecular Medicine, Mass General Brigham Personalized Medicine
Classification: Likely benign. Last evaluated: 2019-04-12. Review status: criteria provided, single submitter. Criteria: LMM Criteria. Collection method: clinical testing. Allele origin: germline. Observed: 4 variant alleles.
Comment: The c.1429+5G>A variant in CCDC50 is classified as likely benign because it has been identified in 0.07% (100/129032) of European chromosomes by gnomAD . Lastly, this variant is located in the 5' splice region, and computational tools do not suggest an impact to splicing. ACMG/AMP Criteria applied: BS1, BP4, BS2_Supporting.

Literature cited by the submitters: PubMed 17576681 (cited by Labcorp Genetics (formerly Invitae), Labcorp); PubMed 9536098 (cited by Labcorp Genetics (formerly Invitae), Labcorp).